The following is an entry in ClinVar:

ClinVar aggregate classification (germline): Uncertain significance (1 of 4 stars; one submission).

Conditions:
Dilated cardiomyopathy 1G (CMD1G). Identifiers: Orphanet 154, MedGen C1858763, MONDO:0011400, OMIM 604145.
Autosomal recessive limb-girdle muscular dystrophy type 2J (LGMDR10). Also called: Limb-girdle muscular dystrophy, type 2J; MUSCULAR DYSTROPHY, LIMB-GIRDLE, AUTOSOMAL RECESSIVE 10. Identifiers: Orphanet 140922, MedGen C1837342, MONDO:0012127, OMIM 608807.

Allele frequency attached by ClinVar (database versions not stated): TOPMed below 0.00001; gnomAD 0.00001.
gnomAD v4.1: 2 of 1,613,760 alleles (0.00012%); highest among the groups gnomAD compares: African/African-American, 0.0027%; no homozygotes.

Submission:

Labcorp Genetics (formerly Invitae), Labcorp
Classification: Uncertain significance for Dilated cardiomyopathy 1G; Autosomal recessive limb-girdle muscular dystrophy type 2J. Last evaluated: 2023-10-23. Review status: criteria provided, single submitter. Criteria: Invitae Variant Classification Sherloc (09022015). Collection method: clinical testing. Allele origin: germline.
Comment: This sequence change replaces glutamic acid, which is acidic and polar, with glycine, which is neutral and non-polar, at codon 34529 of the TTN protein (p.Glu34529Gly). This variant is present in population databases (no rsID available, gnomAD 0.01%). This variant has not been reported in the literature in individuals affected with TTN-related conditions. ClinVar contains an entry for this variant (Variation ID: 1426658). Experimental studies and prediction algorithms are not available or were not evaluated, and the functional significance of this variant is currently unknown. This variant is located in the M band of TTN (PMID: 25589632). Variants in this region may be relevant for neuromuscular disorders, but have not been definitively shown to cause cardiomyopathy (PMID: 23975875). In summary, the available evidence is currently insufficient to determine the role of this variant in disease. Therefore, it has been classified as a Variant of Uncertain Significance.

Literature cited by the submitters: PubMed 25589632; PubMed 23975875.

NM_001267550.2(TTN):c.103586A>G (p.Glu34529Gly)

Genes: TTN-AS1 (TTN antisense RNA 1; plus strand), TTN (titin; minus strand). Cytogenetic location: 2q31.2.
Variant type: single nucleotide variant.
Coding change: c.103586A>G on transcript NM_001267550.2 (MANE Select); coding-DNA position 103586, A replaced by G.
Protein change: p.Glu34529Gly; replaces glutamic acid 34529 with glycine.
Molecular consequence: missense variant.
Genome position (GRCh38, 1-based): chr2:178,533,029, T>C on the plus strand (A>G on the coding strand, the complement: TTN is on the minus strand). VCF-style: chr2-178533029-T-C. GRCh37 (hg19) VCF-style: chr2-179397756-T-C.
Other names: c.98663A>G, p.Glu32888Gly (NM_001256850.1); c.76391A>G, p.Glu25464Gly (NM_003319.4); c.95882A>G, p.Glu31961Gly (NM_133378.4); c.76766A>G, p.Glu25589Gly (NM_133432.3); c.76967A>G, p.Glu25656Gly (NM_133437.4); short protein forms E25656G, E31961G, E34529G, E25464G, E25589G, E32888G.
Identifiers: ClinVar variation 1426658 (VCV001426658.6), dbSNP rs1184132617, ClinGen allele CA349413958.